The following is an entry in ClinVar:

ClinVar aggregate classification (germline): Uncertain significance (1 of 4 stars; one submission).

Conditions:
Ataxia-telangiectasia syndrome (AT). Also called: LOUIS-BAR SYNDROME; ATAXIA-TELANGIECTASIA, COMPLEMENTATION GROUP A; ATAXIA-TELANGIECTASIA, FRESNO VARIANT; Ataxia-telangiectasia, complementation group D; AT, COMPLEMENTATION GROUP C; Ataxia-telangiectasia. Identifiers: Orphanet 100, MedGen C0004135, MONDO:0008840, OMIM 208900.

Submission:

Labcorp Genetics (formerly Invitae), Labcorp
Classification: Uncertain significance for Ataxia-telangiectasia syndrome. Last evaluated: 2025-01-23. Review status: criteria provided, single submitter. Criteria: Invitae Variant Classification Sherloc (09022015). Collection method: clinical testing. Allele origin: germline.
Comment: This sequence change replaces glutamic acid, which is acidic and polar, with glycine, which is neutral and non-polar, at codon 1707 of the ATM protein (p.Glu1707Gly). This variant is not present in population databases (gnomAD no frequency). This variant has not been reported in the literature in individuals affected with ATM-related conditions. Invitae Evidence Modeling of protein sequence and biophysical properties (such as structural, functional, and spatial information, amino acid conservation, physicochemical variation, residue mobility, and thermodynamic stability) indicates that this missense variant is not expected to disrupt ATM protein function with a negative predictive value of 95%. In summary, the available evidence is currently insufficient to determine the role of this variant in disease. Therefore, it has been classified as a Variant of Uncertain Significance.

NM_000051.4(ATM):c.5120A>G (p.Glu1707Gly)

Gene: ATM (ATM serine/threonine kinase; plus strand). Cytogenetic location: 11q22.3.
Variant type: single nucleotide variant.
Coding change: c.5120A>G on transcript NM_000051.4 (MANE Select); coding-DNA position 5120, A replaced by G.
Protein change: p.Glu1707Gly; replaces glutamic acid 1707 with glycine.
Molecular consequence: missense variant.
Genome position (GRCh38, 1-based): chr11:108,299,828, A>G. VCF-style: chr11-108299828-A-G. GRCh37 (hg19) VCF-style: chr11-108170555-A-G.
Other names: c.5120A>G, p.Glu1707Gly (NM_001351834.2); short protein forms E1707G.
Identifiers: ClinVar variation 3674993 (VCV003674993.2).